The following is an entry in ClinVar:

NM_000562.3(C8A):c.960G>T (p.Glu320Asp)

Gene: C8A (complement C8 alpha chain; plus strand). Cytogenetic location: 1p32.2.
Variant type: single nucleotide variant.
Coding change: c.960G>T on transcript NM_000562.3 (MANE Select); coding-DNA position 960, G replaced by T.
Protein change: p.Glu320Asp; replaces glutamic acid 320 with aspartic acid.
Molecular consequence: missense variant.
Genome position (GRCh38, 1-based): chr1:56,886,031, G>T. VCF-style: chr1-56886031-G-T. GRCh37 (hg19) VCF-style: chr1-57351704-G-T.
Other names: short protein forms E320D.
Identifiers: ClinVar variation 773408 (VCV000773408.17), dbSNP rs147513844, ClinGen allele CA875208.
Genomic context (GRCh38, chr1:56,886,031, plus strand): 5'-TTTTAAGATGAGGAAGGATGACATTATGCTGGATGAAGGAATGCTGCAGTCATTAATGGA[G>T]CTTCCAGATCAGTACAATTATGGCATGTATGCCAAGTTCATCAATGACTATGGCACCCAT-3'
Protein context (NP_000553.1, residues 310-330): LDEGMLQSLM[Glu320Asp]LPDQYNYGMY

ClinVar aggregate classification (germline): Conflicting classifications of pathogenicity. Review status: criteria provided, conflicting classifications (1 of 4 stars). 6 submissions from 6 submitters: Uncertain significance (1); Likely benign (5). Last evaluated 2026-07-06.

Conditions:
C8A-related disorder. Also called: C8A-related condition.

Allele frequency attached by ClinVar (database versions not stated): 1000 Genomes Project 30x 0.00078; 1000 Genomes Project 0.00080; gnomAD 0.00108 and 0.00119; TOPMed 0.00110; ESP Exome Variant Server 0.00123; gnomAD exomes 0.00176 and 0.00183; ExAC 0.00179.
gnomAD v4.1: 2,843 of 1,614,062 alleles (0.18%); highest among the groups gnomAD compares: South Asian, 0.6%; 10 homozygotes.

Submissions (6):

PreventionGenetics, part of Exact Sciences
Classification: Likely benign for C8A-related condition. Last evaluated: 2026-07-06. Review status: criteria provided, single submitter. Criteria: ACMG Guidelines, 2015. Collection method: clinical testing. Allele origin: germline.
Comment: This variant is classified as likely benign based on ACMG/AMP sequence variant interpretation guidelines (Richards et al. 2015 PMID: 25741868, with internal and published modifications).

CeGaT Center for Human Genetics Tuebingen
Classification: Likely benign. Last evaluated: 2026-06-01. Review status: criteria provided, single submitter. Criteria: CeGaT Center For Human Genetics Tuebingen Variant Classification Criteria Version 2. Collection method: clinical testing. Allele origin: germline. Affected: yes. Observed: 1 variant allele.
Comment: C8A: BP4, BS2

Women's Health and Genetics/Laboratory Corporation of America, LabCorp
Classification: Likely benign. Last evaluated: 2026-01-30. Review status: criteria provided, single submitter. Criteria: LabCorp Variant Classification Summary - May 2015. Collection method: clinical testing. Allele origin: germline.
Comment: Variant summary: C8A c.960G>T (p.Glu320Asp) results in a conservative amino acid change in the encoded protein sequence. Algorithms developed to predict the effect of missense changes on protein structure and function are either unavailable or do not agree on the potential impact of this missense change. The variant allele was found at a frequency of 0.0018 in 250576 control chromosomes, predominantly at a frequency of 0.0063 within the South Asian subpopulation in the gnomAD database, including 1 homozygotes. The observed variant frequency within South Asian control individuals in the gnomAD database exceeds the estimated maximal expected allele frequency for disease-causing variants in C8A. To our knowledge, no occurrence of c.960G>T in individuals affected with C8A-related conditions and no experimental evidence demonstrating its impact on protein function have been reported. ClinVar contains an entry for this variant (Variation ID: 773408). Based on the evidence outlined above, the variant was classified as likely benign.

Labcorp Genetics (formerly Invitae), Labcorp
Classification: Likely benign. Last evaluated: 2026-01-23. Review status: criteria provided, single submitter. Criteria: Invitae Variant Classification Sherloc (09022015). Collection method: clinical testing. Allele origin: germline.

Blueprint Genetics
Classification: Uncertain significance. Last evaluated: 2024-11-26. Review status: criteria provided, single submitter. Criteria: ACMG Guidelines, 2015. Collection method: clinical testing. Allele origin: germline.

Breakthrough Genomics
Classification: Likely benign. Review status: criteria provided, single submitter. Criteria: ACMG Guidelines, 2015. Collection method: not provided. Allele origin: germline. Inheritance: Autosomal recessive inheritance. Affected: yes.